The following is an entry in ClinVar:

NM_017654.4(SAMD9):c.3686T>C (p.Val1229Ala)

Gene: SAMD9 (sterile alpha motif domain containing 9; minus strand). Cytogenetic location: 7q21.2.
Variant type: single nucleotide variant.
Coding change: c.3686T>C on transcript NM_017654.4 (MANE Select); coding-DNA position 3686, T replaced by C.
Protein change: p.Val1229Ala; replaces valine 1229 with alanine.
Molecular consequence: missense variant.
Genome position (GRCh38, 1-based): chr7:93,102,412, A>G on the plus strand (T>C on the coding strand, the complement: SAMD9 is on the minus strand). VCF-style: chr7-93102412-A-G. GRCh37 (hg19) VCF-style: chr7-92731725-A-G.
Other names: c.3686T>C, p.Val1229Ala (NM_001193307.2); short protein forms V1229A.
Identifiers: ClinVar variation 4159149 (VCV004159149.1).

ClinVar aggregate classification (germline): Uncertain significance (1 of 4 stars; one submission).

Conditions:
Inborn genetic diseases. Identifiers: MedGen C0950123, MeSH D030342.

Submission:

Ambry Genetics
Classification: Uncertain significance for Inborn genetic diseases. Last evaluated: 2025-08-14. Review status: criteria provided, single submitter. Criteria: Ambry Variant Classification Scheme 2023. Collection method: clinical testing. Allele origin: germline.
Comment: The p.V1229A variant (also known as c.3686T>C), located in coding exon 1 of the SAMD9 gene, results from a T to C substitution at nucleotide position 3686. The valine at codon 1229 is replaced by alanine, an amino acid with similar properties. This amino acid position is conserved. In addition, this alteration is predicted to be tolerated by in silico analysis. Based on the available evidence, the clinical significance of this variant remains unclear.